The following is an entry in ClinVar:

NM_000465.4(BARD1):c.1961C>T (p.Pro654Leu)

Gene: BARD1 (BRCA1 associated RING domain 1; minus strand). Cytogenetic location: 2q35.
Variant type: single nucleotide variant.
Coding change: c.1961C>T on transcript NM_000465.4 (MANE Select); coding-DNA position 1961, C replaced by T.
Protein change: p.Pro654Leu; replaces proline 654 with leucine.
Molecular consequence: missense variant. On other transcripts: non-coding transcript variant (3).
Genome position (GRCh38, 1-based): chr2:214,730,451, G>A on the plus strand (C>T on the coding strand, the complement: BARD1 is on the minus strand). VCF-style: chr2-214730451-G-A. GRCh37 (hg19) VCF-style: chr2-215595175-G-A.
Other names: p.P654L:CCT>CTT; c.1904C>T, p.Pro635Leu (NM_001282543.2); c.608C>T, p.Pro203Leu (NM_001282545.2); c.551C>T, p.Pro184Leu (NM_001282548.2); c.422C>T, p.Pro141Leu (NM_001282549.2); short protein forms P654L, P635L, P141L, P184L, P203L.
Identifiers: ClinVar variation 127726 (VCV000127726.12), dbSNP rs587780025, ClinGen allele CA287526.

ClinVar aggregate classification (germline): Uncertain significance. Review status: criteria provided, multiple submitters, no conflicts (2 of 4 stars). 3 submissions from 3 submitters: Uncertain significance (3). Last evaluated 2023-03-17.

Conditions:
Hereditary cancer-predisposing syndrome. Also called: Hereditary Cancer Syndrome; Hereditary neoplastic syndrome; Tumor predisposition; Neoplastic Syndromes, Hereditary. Identifiers: Orphanet 140162, MedGen C0027672, MeSH D009386, MONDO:0015356.
Familial cancer of breast. Also called: BREAST CANCER, FAMILIAL; hereditary breast carcinoma; Hereditary breast cancer. Identifiers: Orphanet 227535, MedGen C0346153, MONDO:0016419, OMIM 114480. Disease mechanism: loss of function.

Submissions (3):

GeneDx
Classification: Uncertain significance. Last evaluated: 2023-03-17. Review status: criteria provided, single submitter. Criteria: GeneDx Variant Classification Process June 2021. Collection method: clinical testing. Allele origin: germline. Affected: yes.
Comment: Not observed at significant frequency in large population cohorts (gnomAD); In silico analysis supports that this missense variant has a deleterious effect on protein structure/function; Has not been previously published as pathogenic or benign to our knowledge; This variant is associated with the following publications: (PMID: 17550235)

Labcorp Genetics (formerly Invitae), Labcorp
Classification: Uncertain significance for Familial cancer of breast. Last evaluated: 2022-10-03. Review status: criteria provided, single submitter. Criteria: Invitae Variant Classification Sherloc (09022015). Collection method: clinical testing. Allele origin: germline.
Comment: This variant has not been reported in the literature in individuals affected with BARD1-related conditions. This variant is not present in population databases (gnomAD no frequency). This sequence change replaces proline, which is neutral and non-polar, with leucine, which is neutral and non-polar, at codon 654 of the BARD1 protein (p.Pro654Leu). ClinVar contains an entry for this variant (Variation ID: 127726). In summary, the available evidence is currently insufficient to determine the role of this variant in disease. Therefore, it has been classified as a Variant of Uncertain Significance. Algorithms developed to predict the effect of missense changes on protein structure and function output the following: SIFT: "Tolerated"; PolyPhen-2: "Benign"; Align-GVGD: "Class C0". The leucine amino acid residue is found in multiple mammalian species, which suggests that this missense change does not adversely affect protein function.

Ambry Genetics
Classification: Uncertain significance for Hereditary cancer-predisposing syndrome. Last evaluated: 2022-08-16. Review status: criteria provided, single submitter. Criteria: Ambry Variant Classification Scheme 2023. Collection method: clinical testing. Allele origin: germline.